The following is an entry in ClinVar:

NM_000222.3(KIT):c.1638A>T (p.Lys546Asn)

Gene: KIT (KIT proto-oncogene, receptor tyrosine kinase; plus strand). Cytogenetic location: 4q12.
Variant type: single nucleotide variant.
Coding change: c.1638A>T on transcript NM_000222.3 (MANE Select); coding-DNA position 1638, A replaced by T.
Protein change: p.Lys546Asn; replaces lysine 546 with asparagine.
Molecular consequence: missense variant.
Genome position (GRCh38, 1-based): chr4:54,727,315, A>T. VCF-style: chr4-54727315-A-T. GRCh37 (hg19) VCF-style: chr4-55593481-A-T.
Other names: c.1626A>T, p.Lys542Asn (NM_001093772.2, NM_001385286.1); c.1641A>T, p.Lys547Asn (NM_001385284.1, NM_001385290.1); c.1638A>T, p.Lys546Asn (NM_001385285.1); c.1629A>T, p.Lys543Asn (NM_001385288.1, NM_001385292.1); short protein forms K542N, K546N, K543N, K547N.
Identifiers: ClinVar variation 664356 (VCV000664356.12), dbSNP rs55986963, ClinGen allele CA356907379.

ClinVar aggregate classification (germline): Uncertain significance. Review status: criteria provided, multiple submitters, no conflicts (2 of 4 stars). 3 submissions from 3 submitters: Uncertain significance (3). Last evaluated 2025-07-02.

Conditions:
Gastrointestinal stromal tumor. Also called: Gastrointestinal stromal tumor, somatic; Gastrointestinal stroma tumor. Identifiers: Orphanet 44890, MedGen C0238198, MeSH D046152, MONDO:0011719, OMIM 606764, HP:0100723.
Hereditary cancer-predisposing syndrome. Also called: Neoplastic Syndromes, Hereditary; Tumor predisposition; Hereditary Cancer Syndrome; Hereditary neoplastic syndrome. Identifiers: Orphanet 140162, MedGen C0027672, MeSH D009386, MONDO:0015356.

Submissions (4):

Labcorp Genetics (formerly Invitae), Labcorp
Classification: Uncertain significance for Gastrointestinal stromal tumor. Last evaluated: 2025-07-02. Review status: criteria provided, single submitter. Criteria: Invitae Variant Classification Sherloc (09022015). Collection method: clinical testing. Allele origin: germline.
Comment: This sequence change replaces lysine, which is basic and polar, with asparagine, which is neutral and polar, at codon 546 of the KIT protein (p.Lys546Asn). This variant is not present in population databases (gnomAD no frequency). This variant has not been reported in the literature in individuals affected with KIT-related conditions. ClinVar contains an entry for this variant (Variation ID: 664356). An algorithm developed to predict the effect of missense changes on protein structure and function (PolyPhen-2) suggests that this variant is likely to be disruptive. In summary, the available evidence is currently insufficient to determine the role of this variant in disease. Therefore, it has been classified as a Variant of Uncertain Significance.

Ambry Genetics
Classification: Uncertain significance for Hereditary cancer-predisposing syndrome. Last evaluated: 2025-04-29. Review status: criteria provided, single submitter. Criteria: Ambry Variant Classification Scheme 2023. Collection method: clinical testing. Allele origin: germline.
Comment: The p.K546N variant (also known as c.1638A>T), located in coding exon 10 of the KIT gene, results from an A to T substitution at nucleotide position 1638. The lysine at codon 546 is replaced by asparagine, an amino acid with similar properties. This amino acid position is well conserved in available vertebrate species. In addition, the in silico prediction for this alteration is inconclusive. Based on the available evidence, the clinical significance of this variant remains unclear.

GeneDx
Classification: Uncertain significance. Last evaluated: 2023-10-23. Review status: criteria provided, single submitter. Criteria: GeneDx Variant Classification Process June 2021. Collection method: clinical testing. Allele origin: germline. Affected: yes.
Comment: Not observed at significant frequency in large population cohorts (gnomAD); In silico analysis supports that this missense variant has a deleterious effect on protein structure/function; Has not been previously published as pathogenic or benign to our knowledge

Dr. Peter K. Rogan Lab, Western University
No classification provided (evidence only). Condition: Thyroid cancer, nonmedullary, 1. Review status: no classification provided. Collection method: in vitro. Allele origin: not applicable. Functional consequence: retained intron. Not counted in ClinVar's aggregate classification.